The following is an entry in ClinVar:

ClinVar aggregate classification (germline): Likely benign. Review status: criteria provided, multiple submitters, no conflicts (2 of 4 stars). 2 submissions from 2 submitters: Likely benign (2). Last evaluated 2024-03-08.

Allele frequency attached by ClinVar (database versions not stated): gnomAD exomes 0.00005 and 0.00025; TOPMed 0.00006; gnomAD 0.00009; ExAC 0.00002.
gnomAD v4.1: 373 of 1,572,368 alleles (0.024%); highest among the groups gnomAD compares: Non-Finnish European, 0.03%; no homozygotes.

Submissions (2):

Labcorp Genetics (formerly Invitae), Labcorp
Classification: Likely benign. Last evaluated: 2024-03-08. Review status: criteria provided, single submitter. Criteria: Invitae Variant Classification Sherloc (09022015). Collection method: clinical testing. Allele origin: germline.

GeneDx
Classification: Likely benign. Last evaluated: 2016-03-22. Review status: criteria provided, single submitter. Criteria: GeneDx Variant Classification (06012015). Collection method: clinical testing. Allele origin: germline. Affected: yes.
Comment: This variant is considered likely benign or benign based on one or more of the following criteria: it is a conservative change, it occurs at a poorly conserved position in the protein, it is predicted to be benign by multiple in silico algorithms, and/or has population frequency not consistent with disease.

NM_024120.5(NDUFAF5):c.863-16A>G

Gene: NDUFAF5 (NADH:ubiquinone oxidoreductase complex assembly factor 5; plus strand). Cytogenetic location: 20p12.1.
Variant type: single nucleotide variant.
Coding change: c.863-16A>G on transcript NM_024120.5 (MANE Select); 16 bases into the intron before coding-DNA position 863, A replaced by G.
Molecular consequence: intron variant.
Genome position (GRCh38, 1-based): chr20:13,816,859, A>G. VCF-style: chr20-13816859-A-G. GRCh37 (hg19) VCF-style: chr20-13797505-A-G.
Other names: c.302-16A>G (NM_001352407.2, NM_001352406.2); c.779-16A>G (NM_001039375.3); c.392-16A>G (NM_001352403.2).
Identifiers: ClinVar variation 384274 (VCV000384274.4), dbSNP rs763764350, ClinGen allele CA9767923.